The following is an entry in ClinVar:

ClinVar aggregate classification (germline): Uncertain significance. Review status: criteria provided, multiple submitters, no conflicts (2 of 4 stars). 3 submissions from 3 submitters: Uncertain significance (3). Last evaluated 2025-09-05.

Conditions:
Malignant hyperthermia, susceptibility to, 1 (MHS1). Also called: RYR1-Related Malignant Hyperthermia Susceptibility; Anesthesia related hyperthermia; Malignant hyperpyrexia; Fulminating hyperpyrexia; Pharmacogenic myopathy; Malignant hyperthermia suceptibility 1. Identifiers: Orphanet 423, MedGen C2930980, MONDO:0007783, OMIM 145600.
RYR1-related disorder. Also called: RYR1-related condition; RYR1-related disorders. Identifiers: MedGen CN239331.

Submissions (3):

Color Diagnostics, LLC DBA Color Health
Classification: Uncertain significance for Malignant hyperthermia, susceptibility to, 1. Last evaluated: 2025-09-05. Review status: criteria provided, single submitter. Criteria: ACMG Guidelines, 2015. Collection method: clinical testing. Allele origin: germline.
Comment: This variant causes an in-frame deletion of one amino acid in exon 39 of the RYR1 protein. To our knowledge, functional studies have not been reported for this variant. This variant has not been reported in individuals affected with autosomal dominant malignant hyperthermia in the literature. This variant has been identified in 1/31386 chromosomes in the general population by the Genome Aggregation Database (gnomAD). The available evidence is insufficient to determine the role of this variant in disease conclusively. Therefore, this variant is classified as a Variant of Uncertain Significance.

GeneDx
Classification: Uncertain significance. Last evaluated: 2024-09-03. Review status: criteria provided, single submitter. Criteria: GeneDx Variant Classification Process June 2021. Collection method: clinical testing. Allele origin: germline. Affected: yes.
Comment: Not observed at significant frequency in large population cohorts (gnomAD); In-frame deletion of 1 amino acids in a non-repeat region; In silico analysis supports a deleterious effect on protein structure/function; Has not been previously published as pathogenic or benign to our knowledge; This variant is associated with the following publications: (PMID: 12668474, 33767344)

Labcorp Genetics (formerly Invitae), Labcorp
Classification: Uncertain significance for RYR1-related disorder. Last evaluated: 2024-03-13. Review status: criteria provided, single submitter. Criteria: Invitae Variant Classification Sherloc (09022015). Collection method: clinical testing. Allele origin: germline.
Comment: This variant, c.6523_6525del, results in the deletion of 1 amino acid(s) of the RYR1 protein (p.Glu2175del), but otherwise preserves the integrity of the reading frame. This variant is not present in population databases (gnomAD no frequency). This variant has been observed in individual(s) with clinical features of autosomal recessive RYR1-related conditions (Invitae). In at least one individual the data is consistent with being in trans (on the opposite chromosome) from a pathogenic variant. Experimental studies and prediction algorithms are not available or were not evaluated, and the functional significance of this variant is currently unknown. In summary, the available evidence is currently insufficient to determine the role of this variant in disease. Therefore, it has been classified as a Variant of Uncertain Significance.

NM_000540.3(RYR1):c.6520GAG[1] (p.Glu2175del)

Gene: RYR1 (ryanodine receptor 1; plus strand). Cytogenetic location: 19q13.2.
Variant type: Microsatellite.
Coding change: c.6520GAG[1] on transcript NM_000540.3 (MANE Select); one copy of the 3-base unit GAG starting at c.6520; the reference has two copies in a row; one copy, 3 bases deleted; also written c.6523_6525del.
Protein change: p.Glu2175del; deletes glutamic acid 2175.
Molecular consequence: inframe deletion. On other transcripts: inframe indel (1).
Genome position (GRCh38, 1-based): chr19:38,494,600-38,494,602, GAG deleted; deleting any 3 consecutive bases within chr19:38,494,595-38,494,602 gives the same sequence; the position shown is the placement nearest the transcript's 3' end. VCF-style (leftmost placement, unchanged base first): chr19-38494594-CAGG-C. GRCh37 (hg19) VCF-style: chr19-38985234-CAGG-C.
Other names: c.6523_6525del (NM_000540.3, NM_000540.2); c.6520_6522GAG[1], p.Glu2175del (NM_000540.2); c.6520GAG[1], p.Glu2175del (NM_001042723.2); short protein forms E2175del.
Identifiers: ClinVar variation 2032383 (VCV002032383.6), dbSNP rs1568494040, ClinGen allele CA914324698.
Genomic context (GRCh38, chr19:38,494,594, plus strand): 5'-ATGAGCCTGCTCGAGTGCCTCGGCCAGATCCGCTCGCTGCTCATCGTGCAGATGGGCCCC[CAGG>C]AGGAGAACCTCATGATCCAGAGCATCGGGTGAGACACCGCCCTTCCCCCTTACTTTGCAT-3'